The following is an entry in ClinVar:

NM_001032386.2(SUOX):c.1281_1282delinsCA (p.Ala428Thr)

Gene: SUOX (sulfite oxidase; plus strand). Cytogenetic location: 12q13.2.
Variant type: Indel.
Coding change: c.1281_1282delinsCA on transcript NM_001032386.2 (MANE Select); coding-DNA positions 1281 to 1282, GG replaced by CA.
Protein change: p.Ala428Thr; replaces alanine 428 with threonine.
Molecular consequence: missense variant.
Genome position (GRCh38, 1-based): chr12:56,004,670-56,004,671, GG replaced by CA. VCF-style: chr12-56004670-GG-CA. GRCh37 (hg19) VCF-style: chr12-56398454-GG-CA.
Other names: c.1281_1282delinsCA, p.Ala428Thr (NM_000456.3, NM_001032387.2); short protein forms A428T.
Identifiers: ClinVar variation 1492843 (VCV001492843.6), dbSNP rs2136512980, ClinGen allele CA2573148930.

ClinVar aggregate classification (germline): Uncertain significance (1 of 4 stars; one submission).

Conditions:
Sulfite oxidase deficiency. Also called: Isolated sulfite oxidase deficiency. Identifiers: Orphanet 833, Orphanet 99731, MedGen C0268624, MONDO:0010089, OMIM 272300, HP:0003643.

Submission:

Labcorp Genetics (formerly Invitae), Labcorp
Classification: Uncertain significance for Sulfite oxidase deficiency. Last evaluated: 2022-07-15. Review status: criteria provided, single submitter. Criteria: Invitae Variant Classification Sherloc (09022015). Collection method: clinical testing. Allele origin: germline.
Comment: This sequence change replaces alanine, which is neutral and non-polar, with threonine, which is neutral and polar, at codon 428 of the SUOX protein (p.Ala428Thr). Information on the frequency of this variant in the gnomAD database is not available, as this variant may be reported differently in the database. This variant has not been reported in the literature in individuals affected with SUOX-related conditions. ClinVar contains an entry for this variant (Variation ID: 1492843). Experimental studies and prediction algorithms are not available or were not evaluated, and the functional significance of this variant is currently unknown. In summary, the available evidence is currently insufficient to determine the role of this variant in disease. Therefore, it has been classified as a Variant of Uncertain Significance.